The following is an entry in ClinVar:

NM_021116.4(ADCY1):c.823G>A (p.Val275Ile)

Gene: ADCY1 (adenylate cyclase 1; plus strand). Cytogenetic location: 7p12.3.
Variant type: single nucleotide variant.
Coding change: c.823G>A on transcript NM_021116.4 (MANE Select); coding-DNA position 823, G replaced by A.
Protein change: p.Val275Ile; replaces valine 275 with isoleucine.
Molecular consequence: missense variant.
Genome position (GRCh38, 1-based): chr7:45,610,412, G>A. VCF-style: chr7-45610412-G-A. GRCh37 (hg19) VCF-style: chr7-45650011-G-A.
Other names: c.148G>A, p.Val50Ile (NM_001281768.2); short protein forms V275I, V50I.
Identifiers: ClinVar variation 1898719 (VCV001898719.5), dbSNP rs80190930, ClinGen allele CA4248789.
Genomic context (GRCh38, chr7:45,610,412, plus strand): 5'-TAACCCGGGCCCTTCTCTTCTGTCCAGGAGCGGCTCCTCATGAGCCTCCTGCCCCGGAAC[G>A]TTGCCATGGAGATGAAGGAGGACTTCCTGAAGCCCCCTGAGAGGATTTTCCACAAGATTT-3'
Protein context (NP_066939.1, residues 265-285): RLLMSLLPRN[Val275Ile]AMEMKEDFLK

ClinVar aggregate classification (germline): Uncertain significance (1 of 4 stars; one submission).

Allele frequency attached by ClinVar (database versions not stated): ExAC 0.00002; gnomAD exomes 0.00003; gnomAD 0.00004; TOPMed 0.00005.
gnomAD v4.1: 47 of 1,613,952 alleles (0.0029%); highest among the groups gnomAD compares: East Asian, 0.02%; no homozygotes.

Submission:

Labcorp Genetics (formerly Invitae), Labcorp
Classification: Uncertain significance. Last evaluated: 2022-03-04. Review status: criteria provided, single submitter. Criteria: Invitae Variant Classification Sherloc (09022015). Collection method: clinical testing. Allele origin: germline.
Comment: In summary, the available evidence is currently insufficient to determine the role of this variant in disease. Therefore, it has been classified as a Variant of Uncertain Significance. Algorithms developed to predict the effect of missense changes on protein structure and function (SIFT, PolyPhen-2, Align-GVGD) all suggest that this variant is likely to be tolerated. This variant has not been reported in the literature in individuals affected with ADCY1-related conditions. This variant is present in population databases (rs80190930, gnomAD 0.04%). This sequence change replaces valine, which is neutral and non-polar, with isoleucine, which is neutral and non-polar, at codon 275 of the ADCY1 protein (p.Val275Ile).